The following is an entry in ClinVar:

ClinVar aggregate classification (germline): Uncertain significance (1 of 4 stars; one submission).

Allele frequency attached by ClinVar (database versions not stated): gnomAD exomes below 0.00001.
gnomAD v4.1: 5 of 1,614,066 alleles (0.00031%); highest among the groups gnomAD compares: South Asian, 0.0011%; no homozygotes.

Submission:

Labcorp Genetics (formerly Invitae), Labcorp
Classification: Uncertain significance. Last evaluated: 2025-08-17. Review status: criteria provided, single submitter. Criteria: Invitae Variant Classification Sherloc (09022015). Collection method: clinical testing. Allele origin: germline.
Comment: This sequence change replaces glutamic acid, which is acidic and polar, with lysine, which is basic and polar, at codon 382 of the TNNI3K protein (p.Glu382Lys). The frequency data for this variant in the population databases is considered unreliable, as metrics indicate poor data quality at this position in the gnomAD database. This variant has not been reported in the literature in individuals affected with TNNI3K-related conditions. ClinVar contains an entry for this variant (Variation ID: 2967601). Invitae Evidence Modeling of protein sequence and biophysical properties (such as structural, functional, and spatial information, amino acid conservation, physicochemical variation, residue mobility, and thermodynamic stability) indicates that this missense variant is not expected to disrupt TNNI3K protein function with a negative predictive value of 80%. In summary, the available evidence is currently insufficient to determine the role of this variant in disease. Therefore, it has been classified as a Variant of Uncertain Significance.

NM_015978.3(TNNI3K):c.1144G>A (p.Glu382Lys)

Genes: FPGT-TNNI3K (FPGT-TNNI3K readthrough; plus strand), TNNI3K (TNNI3 interacting kinase; plus strand). Cytogenetic location: 1p31.1.
Variant type: single nucleotide variant.
Coding change: c.1144G>A on transcript NM_015978.3 (MANE Select); coding-DNA position 1144, G replaced by A.
Protein change: p.Glu382Lys; replaces glutamic acid 382 with lysine.
Molecular consequence: missense variant.
Genome position (GRCh38, 1-based): chr1:74,354,096, G>A. VCF-style: chr1-74354096-G-A. GRCh37 (hg19) VCF-style: chr1-74819780-G-A.
Other names: c.1447G>A, p.Glu483Lys (NM_001112808.3, NM_001199327.2); short protein forms E483K, E382K.
Identifiers: ClinVar variation 2967601 (VCV002967601.3), dbSNP rs1485687249, ClinGen allele CA340784499.